The following is an entry in ClinVar:

NM_024928.5(STN1):c.521A>G (p.Tyr174Cys)

Gene: STN1 (STN1 subunit of CST complex; minus strand). Cytogenetic location: 10q24.33.
Variant type: single nucleotide variant.
Coding change: c.521A>G on transcript NM_024928.5 (MANE Select); coding-DNA position 521, A replaced by G.
Protein change: p.Tyr174Cys; replaces tyrosine 174 with cysteine.
Molecular consequence: missense variant.
Genome position (GRCh38, 1-based): chr10:103,898,937, T>C on the plus strand (A>G on the coding strand, the complement: STN1 is on the minus strand). VCF-style: chr10-103898937-T-C. GRCh37 (hg19) VCF-style: chr10-105658695-T-C.
Other names: c.521A>G (NM_024928.4); short protein forms Y174C.
Identifiers: ClinVar variation 1436318 (VCV001436318.4), dbSNP rs188870466, ClinGen allele CA5676595.

ClinVar aggregate classification (germline): Uncertain significance. Review status: criteria provided, multiple submitters, no conflicts (2 of 4 stars). 2 submissions from 2 submitters: Uncertain significance (2). Last evaluated 2024-04-24.

Conditions:
Inborn genetic diseases. Identifiers: MedGen C0950123, MeSH D030342.

Allele frequency attached by ClinVar (database versions not stated): gnomAD 0.00001; gnomAD exomes 0.00001 and 0.00002; ExAC 0.00002; TOPMed 0.00002; 1000 Genomes Project 0.00020; 1000 Genomes Project 30x 0.00031.

Submissions (2):

Ambry Genetics
Classification: Uncertain significance for Inborn genetic diseases. Last evaluated: 2024-04-24. Review status: criteria provided, single submitter. Criteria: Ambry Variant Classification Scheme 2023. Collection method: clinical testing. Allele origin: germline.

Labcorp Genetics (formerly Invitae), Labcorp
Classification: Uncertain significance. Last evaluated: 2022-07-26. Review status: criteria provided, single submitter. Criteria: Invitae Variant Classification Sherloc (09022015). Collection method: clinical testing. Allele origin: germline.
Comment: This sequence change replaces tyrosine, which is neutral and polar, with cysteine, which is neutral and slightly polar, at codon 174 of the STN1 protein (p.Tyr174Cys). This variant is present in population databases (rs188870466, gnomAD 0.01%). This variant has not been reported in the literature in individuals affected with STN1-related conditions. ClinVar contains an entry for this variant (Variation ID: 1436318). Algorithms developed to predict the effect of missense changes on protein structure and function (SIFT, PolyPhen-2, Align-GVGD) all suggest that this variant is likely to be disruptive. In summary, the available evidence is currently insufficient to determine the role of this variant in disease. Therefore, it has been classified as a Variant of Uncertain Significance.